The following is an entry in ClinVar:

ClinVar aggregate classification (germline): Likely benign (0 of 4 stars; one submission).

Conditions:
ESPL1-related disorder. Also called: ESPL1-related condition.

Allele frequency attached by ClinVar (database versions not stated): TOPMed 0.00001; gnomAD 0.00002.
gnomAD v4.1: 31 of 1,614,160 alleles (0.0019%); highest among the groups gnomAD compares: African/African-American, 0.024%; no homozygotes.

Submission:

PreventionGenetics, part of Exact Sciences
Classification: Likely benign for ESPL1-related condition. Last evaluated: 2019-02-21. Review status: no assertion criteria provided. Collection method: clinical testing. Allele origin: germline.
Comment: This variant is classified as likely benign based on ACMG/AMP sequence variant interpretation guidelines (Richards et al. 2015 PMID: 25741868, with internal and published modifications).

NM_012291.5(ESPL1):c.4053C>T (p.Asp1351=)

Gene: ESPL1 (extra spindle pole bodies like 1, separase; plus strand). Cytogenetic location: 12q13.13.
Variant type: single nucleotide variant.
Coding change: c.4053C>T on transcript NM_012291.5 (MANE Select); coding-DNA position 4053, C replaced by T.
Protein change: p.Asp1351=; no amino-acid change (aspartic acid 1351 retained).
Molecular consequence: synonymous variant.
Genome position (GRCh38, 1-based): chr12:53,286,789, C>T. VCF-style: chr12-53286789-C-T. GRCh37 (hg19) VCF-style: chr12-53680573-C-T.
Identifiers: ClinVar variation 3043916 (VCV003043916.2), dbSNP rs113736228, ClinGen allele CA237354123.